The following is an entry in ClinVar:

ClinVar aggregate classification (germline): Likely benign. Review status: criteria provided, multiple submitters, no conflicts (2 of 4 stars). 3 submissions from 3 submitters: Likely benign (3). Last evaluated 2026-08-20.

Conditions:
SNRNP200-related disorder. Also called: SNRNP200-related condition.

Allele frequency attached by ClinVar (database versions not stated): ESP Exome Variant Server 0.00008; gnomAD exomes 0.00008 and 0.00004; TOPMed 0.00004; gnomAD 0.00005; ExAC 0.00007.
gnomAD v4.1: 62 of 1,613,948 alleles (0.0038%); highest among the groups gnomAD compares: Middle Eastern, 0.05%; 1 homozygote.

Submissions (3):

PreventionGenetics, part of Exact Sciences
Classification: Likely benign for SNRNP200-related condition. Last evaluated: 2026-08-20. Review status: criteria provided, single submitter. Criteria: ACMG Guidelines, 2015. Collection method: clinical testing. Allele origin: germline.
Comment: This variant is classified as likely benign based on ACMG/AMP sequence variant interpretation guidelines (Richards et al. 2015 PMID: 25741868, with internal and published modifications).

Labcorp Genetics (formerly Invitae), Labcorp
Classification: Likely benign. Last evaluated: 2024-10-02. Review status: criteria provided, single submitter. Criteria: Invitae Variant Classification Sherloc (09022015). Collection method: clinical testing. Allele origin: germline.

Blueprint Genetics
Classification: Likely benign. Last evaluated: 2024-08-13. Review status: criteria provided, single submitter. Criteria: ACMG Guidelines, 2015. Collection method: clinical testing. Allele origin: germline.

NM_014014.5(SNRNP200):c.6408T>C (p.Asp2136=)

Gene: SNRNP200 (small nuclear ribonucleoprotein U5 subunit 200; minus strand). Cytogenetic location: 2q11.2.
Variant type: single nucleotide variant.
Coding change: c.6408T>C on transcript NM_014014.5 (MANE Select); coding-DNA position 6408, T replaced by C.
Protein change: p.Asp2136=; no amino-acid change (aspartic acid 2136 retained).
Molecular consequence: synonymous variant.
Genome position (GRCh38, 1-based): chr2:96,275,015, A>G on the plus strand (T>C on the coding strand, the complement: SNRNP200 is on the minus strand). VCF-style: chr2-96275015-A-G. GRCh37 (hg19) VCF-style: chr2-96940753-A-G.
Other names: c.6408T>C (NM_014014.4).
Identifiers: ClinVar variation 1090245 (VCV001090245.12), dbSNP rs146414107, ClinGen allele CA1777718.
Genomic context (GRCh38, chr2:96,275,015, plus strand): 5'-TACACATTCCTAATTCAGGCTCAACTCTCCTTTACCCAAAAGTAAATGCCTCAGGACTCA[A>G]TCTGAATCACTGTCTGTCTCAGCTTCTTTCACATCCACGCTGAATTTGTACTCCTGGTCA-3'
Protein context (NP_054733.2, residues 2126-2136): VKEAETDSDS[Asp2136=]